The following is an entry in ClinVar:

ClinVar aggregate classification (germline): Uncertain significance. Review status: criteria provided, multiple submitters, no conflicts (2 of 4 stars). 2 submissions from 2 submitters: Uncertain significance (2). Last evaluated 2026-09-01.

Conditions:
Cardiovascular phenotype. Identifiers: MedGen CN230736.
Long QT syndrome (LQTS). Identifiers: MedGen C0023976, MeSH D008133, MONDO:0002442. Disease mechanism: loss of function. Inheritance: Various modes of inheritance.

Allele frequency attached by ClinVar (database versions not stated): TOPMed 0.00001.

Submissions (2):

Ambry Genetics
Classification: Uncertain significance for Cardiovascular phenotype. Last evaluated: 2026-09-01. Review status: criteria provided, single submitter. Criteria: Ambry Variant Classification Scheme 2023. Collection method: clinical testing. Allele origin: germline.

Labcorp Genetics (formerly Invitae), Labcorp
Classification: Uncertain significance for Long QT syndrome. Last evaluated: 2021-08-02. Review status: criteria provided, single submitter. Criteria: Invitae Variant Classification Sherloc (09022015). Collection method: clinical testing. Allele origin: germline.
Comment: This variant has not been reported in the literature in individuals affected with KCNQ1-related conditions. In summary, the available evidence is currently insufficient to determine the role of this variant in disease. Therefore, it has been classified as a Variant of Uncertain Significance. Algorithms developed to predict the effect of missense changes on protein structure and function (SIFT, PolyPhen-2, Align-GVGD) all suggest that this variant is likely to be tolerated. This variant is not present in population databases (ExAC no frequency). This sequence change replaces glycine with valine at codon 629 of the KCNQ1 protein (p.Gly629Val). The glycine residue is weakly conserved and there is a moderate physicochemical difference between glycine and valine.

NM_000218.3(KCNQ1):c.1886G>T (p.Gly629Val)

Genes: KCNQ1 (potassium voltage-gated channel subfamily Q member 1; plus strand), KCNQ1-AS1 (KCNQ1 antisense RNA 1; minus strand). Cytogenetic location: 11p15.4.
Variant type: single nucleotide variant.
Coding change: c.1886G>T on transcript NM_000218.3 (MANE Select); coding-DNA position 1886, G replaced by T.
Protein change: p.Gly629Val; replaces glycine 629 with valine.
Molecular consequence: missense variant.
Genome position (GRCh38, 1-based): chr11:2,847,858, G>T. VCF-style: chr11-2847858-G-T. GRCh37 (hg19) VCF-style: chr11-2869088-G-T.
Other names: c.1790G>T, p.Gly597Val (NM_001406836.1); c.1616G>T, p.Gly539Val (NM_001406837.1); c.1346G>T, p.Gly449Val (NM_001406838.1); c.398G>T, p.Gly133Val (NM_001406839.1); c.1505G>T, p.Gly502Val (NM_181798.2); short protein forms G629V, G502V, G449V, G539V, G597V, G133V.
Identifiers: ClinVar variation 1371827 (VCV001371827.8), dbSNP rs1848364650, ClinGen allele CA379140364.
Genomic context (GRCh38, chr11:2,847,858, plus strand): 5'-TCACCGACATGCTTCACCAGCTGCTCTCCTTGCACGGTGGCAGCACCCCCGGCAGCGGCG[G>T]CCCCCCCAGAGAGGGCGGGGCCCACATCACCCAGCCCTGCGGCAGTGGCGGCTCCGTCGA-3'
Protein context (NP_000209.2, residues 619-639): LHGGSTPGSG[Gly629Val]PPREGGAHIT